The following is an entry in ClinVar:

NM_002693.3(POLG):c.1008del (p.Arg337fs)

Gene: POLG (DNA polymerase gamma, catalytic subunit; minus strand). Cytogenetic location: 15q26.1.
Variant type: Deletion.
Coding change: c.1008del on transcript NM_002693.3 (MANE Select); coding-DNA position 1008, one base deleted (C; older notation c.1008delC).
Protein change: p.Arg337fs; shifts the reading frame from arginine 337.
Molecular consequence: frameshift variant.
Genome position (GRCh38, 1-based): chr15:89,328,958, G deleted on the plus strand (C on the coding strand, the reverse complement: POLG is on the minus strand); the first of 2 consecutive G bases (chr15:89,328,958-89,328,959); deleting either gives the same sequence. VCF-style (leftmost placement, unchanged base first): chr15-89328957-TG-T. GRCh37 (hg19) VCF-style: chr15-89872188-TG-T.
Other names: c.1008del, p.Arg337fs (NM_001126131.2); short protein forms R337fs.
Identifiers: ClinVar variation 5013528 (VCV005013528.1).

ClinVar aggregate classification (germline): Pathogenic (1 of 4 stars; one submission).

Conditions:
POLG-related disorder. Also called: POLG-Related Spectrum Disorders; POLG-related condition; POLG-Related Disorders. Identifiers: MedGen C4763519.

Submission:

Myriad Genetics, Inc.
Classification: Pathogenic for POLG-related disorder. Last evaluated: 2024-09-04. Review status: criteria provided, single submitter. Criteria: Myriad Autosomal Dominant, Autosomal Recessive and X-Linked Classification Criteria (2023). Collection method: clinical testing. Allele origin: unknown.
Comment: NM_002693.2(POLG):c.1008delC(R337Efs*28) is expected to be pathogenic in the context of POLG-related disorders. This variant is predicted to lead to an abnormal or absent protein product due to the creation of a premature termination codon in POLG, a gene where loss-of-function variants are known to be pathogenic. Please note: this variant was assessed in the context of healthy population screening.